The following is an entry in ClinVar:

NM_000322.5(PRPH2):c.418_421dup (p.Tyr141fs)

Gene: PRPH2 (peripherin 2; minus strand). Cytogenetic location: 6p21.1.
Variant type: Duplication.
Coding change: c.418_421dup on transcript NM_000322.5 (MANE Select); coding-DNA positions 418 to 421, 4 bases duplicated (TACT; older notation c.418_421dupTACT).
Protein change: p.Tyr141fs; shifts the reading frame from tyrosine 141.
Molecular consequence: frameshift variant.
Genome position (GRCh38, 1-based): chr6:42,721,914-42,721,917, AGTA duplicated on the plus strand (TACT on the coding strand, the reverse complement: PRPH2 is on the minus strand). VCF-style (leftmost placement, unchanged base first): chr6-42721913-T-TAGTA. GRCh37 (hg19) VCF-style: chr6-42689651-T-TAGTA.
Other names: short protein forms Y141fs.
Identifiers: ClinVar variation 13174 (VCV000013174.2), dbSNP rs672601326, ClinGen allele CA212947.

ClinVar aggregate classification (germline): Pathogenic. Review status: no assertion criteria provided (0 of 4 stars). 2 submissions from 2 submitters: Pathogenic (2). Last evaluated 2021-04-06.

Conditions:
Patterned macular dystrophy 1. Also called: BUTTERFLY DYSTROPHY OF RETINAL PIGMENT EPITHELIUM; MACULAR DYSTROPHY, BUTTERFLY-SHAPED PIGMENTARY. Identifiers: Orphanet 99001, MedGen C4551999, MONDO:0008210, OMIM 169150.

Submissions (2):

Leiden Open Variation Database
Classification: Pathogenic. Last evaluated: 2021-04-06. Review status: no assertion criteria provided. Collection method: curation. Allele origin: germline. Affected: yes.
Comment: Curator: Global Variome, with Curator vacancy. Submitter to LOVD: Manon Peeters.

OMIM
Classification: Pathogenic for MACULAR DYSTROPHY, PATTERNED, 1. Last evaluated: 1995-04-01. Review status: no assertion criteria provided. Collection method: literature only. Allele origin: germline.

Literature cited by the submitters: PubMed 7710395 (cited by Leiden Open Variation Database and OMIM); PubMed 8004111 (cited by Leiden Open Variation Database).